The following is an entry in ClinVar:

ClinVar aggregate classification (germline): Pathogenic (1 of 4 stars; one submission).

Submission:

ISCA Site 6
Classification: Pathogenic. Last evaluated: 2011-08-12. Review status: criteria provided, single submitter. Criteria: Kaminsky et al. (Genet Med. 2011). Collection method: clinical testing. Allele origin: de novo. Affected: yes. Observed: 1 variant allele.
Comment: Copy number variation identified through the course of routine clinical cytogenomic testing in postnatal populations. Clinical assertions have been curated as described in Kaminsky et al. 2011.

GRCh38/hg38 17q21.31(chr17:45575861-46274278)x1

Genes: ARL17B (ADP ribosylation factor like GTPase 17B; minus strand), CRHR1 (corticotropin releasing hormone receptor 1), KANSL1 (KAT8 regulatory NSL complex subunit 1), KANSL1-AS1 (KANSL1 antisense RNA 1), LINC02210 (long intergenic non-protein coding RNA 2210) and 10 more. Cytogenetic location: 17q21.31.
Variant type: copy number loss.
Change: copy number 1 (one copy instead of two) of chr17:45,575,861-46,274,278 (698.4 kb, GRCh38 coordinates, 1-based), cytogenetic band 17q21.31.
Identifiers: ClinVar variation 57524 (VCV000057524.2).